The following is an entry in ClinVar:

NM_001002295.2(GATA3):c.1272C>T (p.His424=)

Gene: GATA3 (GATA binding protein 3; plus strand). Cytogenetic location: 10p14.
Variant type: single nucleotide variant.
Coding change: c.1272C>T on transcript NM_001002295.2 (MANE Select); coding-DNA position 1272, C replaced by T.
Protein change: p.His424=; no amino-acid change (histidine 424 retained).
Molecular consequence: synonymous variant.
Genome position (GRCh38, 1-based): chr10:8,073,960, C>T. VCF-style: chr10-8073960-C-T. GRCh37 (hg19) VCF-style: chr10-8115923-C-T.
Other names: c.1269C>T, p.His423= (NM_002051.3); c.1272C>T (NM_001002295.1).
Identifiers: ClinVar variation 2984345 (VCV002984345.4), dbSNP rs760057641, ClinGen allele CA5404583.

ClinVar aggregate classification (germline): Likely benign. Review status: criteria provided, multiple submitters, no conflicts (2 of 4 stars). 2 submissions from 2 submitters: Likely benign (2). Last evaluated 2025-12-17.

Conditions:
GATA3-related disorder. Also called: GATA3-related condition.

Allele frequency attached by ClinVar (database versions not stated): gnomAD 0.00001; TOPMed 0.00001; ExAC 0.00002; gnomAD exomes 0.00002.
gnomAD v4.1: 12 of 1,614,062 alleles (0.00074%); highest among the groups gnomAD compares: Admixed American, 0.005%; no homozygotes.

Submissions (2):

PreventionGenetics, part of Exact Sciences
Classification: Likely benign for GATA3-related condition. Last evaluated: 2025-12-17. Review status: criteria provided, single submitter. Criteria: ACMG Guidelines, 2015. Collection method: clinical testing. Allele origin: germline.
Comment: This variant is classified as likely benign based on ACMG/AMP sequence variant interpretation guidelines (Richards et al. 2015 PMID: 25741868, with internal and published modifications).

Labcorp Genetics (formerly Invitae), Labcorp
Classification: Likely benign. Last evaluated: 2025-10-03. Review status: criteria provided, single submitter. Criteria: Invitae Variant Classification Sherloc (09022015). Collection method: clinical testing. Allele origin: germline.